The following is an entry in ClinVar:

NM_021147.5(CCNO):c.258_262dup (p.Gln88fs)

Genes: CCNO (cyclin O; minus strand), LOC129993895 (ATAC-STARR-seq lymphoblastoid silent region 16013; plus strand). Cytogenetic location: 5q11.2.
Variant type: Microsatellite.
Coding change: c.258_262dup on transcript NM_021147.5 (MANE Select); coding-DNA positions 258 to 262, 5 bases duplicated (GGCCC; older notation c.258_262dupGGCCC).
Protein change: p.Gln88fs; shifts the reading frame from glutamine 88.
Molecular consequence: frameshift variant. On other transcripts: non-coding transcript variant (2).
Genome position (GRCh38, 1-based): chr5:55,233,262-55,233,266, GGGCC duplicated on the plus strand (GGCCC on the coding strand, the reverse complement: CCNO is on the minus strand); duplicating any 5 consecutive bases within chr5:55,233,262-55,233,275 gives the same sequence; the c. name uses the placement nearest the transcript's 3' end. VCF-style (leftmost placement, unchanged base first): chr5-55233261-T-TGGGCC. GRCh37 (hg19) VCF-style: chr5-54529089-T-TGGGCC.
Other names: c.258_262dup (NM_021147.4); short protein forms Q88fs.
Identifiers: ClinVar variation 139600 (VCV000139600.29), dbSNP rs587777499, ClinGen allele CA163290.
Genomic context (GRCh38, chr5:55,233,261, plus strand): 5'-AAGGCGTAGCAGCTCTGGCCGTAGTCGCGGAAGGTCTGTAGATCTAGCTGCGCCACGGGC[T>TGGGCC]GGGCCGGGCCGGGCAGGGGGCTACCACCCCGCGCCGCAGAGGGGCTCTCTGCGCCGTCTG-3'

ClinVar aggregate classification (germline): Pathogenic. Review status: criteria provided, multiple submitters, no conflicts (2 of 4 stars). 15 submissions from 15 submitters: Pathogenic (13). 2 of the submissions do not count toward it. Last evaluated 2026-07-22.

Conditions:
CCNO-related disorder. Also called: CCNO-related condition.
Primary ciliary dyskinesia 29. Also called: CILIARY DYSKINESIA, PRIMARY, 29, WITHOUT SITUS INVERSUS. Identifiers: Orphanet 244, MedGen C4014534, MONDO:0014378, OMIM 615872.
Primary ciliary dyskinesia. Also called: Ciliary dyskinesia. Identifiers: Orphanet 244, MedGen C0008780, MONDO:0016575, HP:0012265.

Submissions (15):

The Research Institute of Tuberculosis, Japan Anti-Tuberculosis Association
Classification: Pathogenic for Primary ciliary dyskinesia 29. Last evaluated: 2026-07-22. Review status: criteria provided, single submitter. Criteria: ACMG Guidelines, 2015. Collection method: research. Allele origin: germline. Inheritance: Autosomal recessive inheritance. Affected: yes.
Comment: Classification determined through our internal review, with support from Franklin (Genoox) summaries integrated into the overall assessment. ACMG/AMP guidelines were applied for SNV/indel interpretation. Final classification: Pathogenic. This variant is a null variant (FRAMESHIFT) in a gene where loss of function is an established mechanism of disease, supporting PVS1. This variant is absent or present at extremely low frequency (%) in population databases (gnomAD: exome 0.011; genome 0.014), supporting PM2. This variant has been reported in ClinVar to cosegregate with disease in multiple affected family members, supporting PP1. Evidence (ACMG/AMP codes): PVS1, PM2, PM3, PP1, PP5. ClinVar submissions: PATHOGENIC | 6 submitters | RCV000128541; Conflict | 3 submitters | RCV000548995; PATHOGENIC | 2 submitters | RCV000598772.

Medical and Scientific Branch, Hong Kong Genome Institute
Classification: Pathogenic for Primary ciliary dyskinesia 29. Last evaluated: 2026-01-26. Review status: criteria provided, single submitter. Criteria: ACMG Guidelines, 2015. Collection method: clinical testing. Allele origin: biparental. Affected: yes.

Labcorp Genetics (formerly Invitae), Labcorp
Classification: Pathogenic for Primary ciliary dyskinesia. Last evaluated: 2026-01-24. Review status: criteria provided, single submitter. Criteria: Invitae Variant Classification Sherloc (09022015). Collection method: clinical testing. Allele origin: germline.
Comment: This sequence change creates a premature translational stop signal (p.Gln88Argfs*8) in the CCNO gene. It is expected to result in an absent or disrupted protein product. Loss-of-function variants in CCNO are known to be pathogenic (PMID: 24747639). This variant is present in population databases (rs587777502, gnomAD 0.04%). This premature translational stop signal has been observed in individual(s) with primary ciliary dyskinesia (PMID: 24747639, 24824133, 26777464). ClinVar contains an entry for this variant (Variation ID: 139600). For these reasons, this variant has been classified as Pathogenic.

3billion
Classification: Pathogenic for Primary ciliary dyskinesia 29. Last evaluated: 2025-10-27. Review status: criteria provided, single submitter. Criteria: ACMG Guidelines, 2015. Collection method: clinical testing. Allele origin: germline. Affected: yes.
Comment: The variant is observed at an extremely low frequency in the gnomAD v4.1.0 dataset (total allele frequency: 0.011%). Predicted Consequence/Location: Frameshift: predicted to result in a loss or disruption of normal protein function through nonsense-mediated decay (NMD) or protein truncation. Multiple pathogenic variants are reported downstream of the variant. Functional studies provide moderate evidence of the variant having a damaging effect on the gene or gene product (PMID: 24747639). The variant has been reported at least twice as pathogenic with clinical assertions and evidence for the classification (ClinVar ID: VCV000139600 /PMID: 24747639 /3billion dataset). Therefore, this variant is classified as Pathogenic according to the recommendation of ACMG/AMP guideline.

Blueprint Genetics
Classification: Pathogenic for CCNO-related disorders. Last evaluated: 2024-11-22. Review status: criteria provided, single submitter. Criteria: ACMG Guidelines, 2015. Collection method: clinical testing. Allele origin: germline. Affected: yes. Observed: 5 variant alleles.

Genomic Medicine Center of Excellence, King Faisal Specialist Hospital and Research Centre
Classification: Pathogenic for Primary ciliary dyskinesia 29. Last evaluated: 2024-09-22. Review status: criteria provided, single submitter. Criteria: ACMG Guidelines, 2015. Collection method: clinical testing. Allele origin: germline.

Clinical Genetics Laboratory, Skane University Hospital Lund
Classification: Pathogenic. Last evaluated: 2024-01-24. Review status: criteria provided, single submitter. Criteria: ACMG Guidelines, 2015. Collection method: clinical testing. Allele origin: germline. Affected: yes.

GeneDx
Classification: Pathogenic. Last evaluated: 2024-01-05. Review status: criteria provided, single submitter. Criteria: GeneDx Variant Classification Process June 2021. Collection method: clinical testing. Allele origin: germline. Affected: yes.
Comment: Frameshift variant predicted to result in protein truncation or nonsense mediated decay in a gene for which loss-of-function is a known mechanism of disease; This variant is associated with the following publications: (PMID: 20301301, 28199173, 30067075, 28801648, 32622824, 31980526, 34426522, 34569065, 24747639, 24824133, 33577779, 34210339, 34102041, 35804324, 26777464)

Neuberg Centre For Genomic Medicine, NCGM
Classification: Pathogenic for Primary ciliary dyskinesia 29. Last evaluated: 2023-03-01. Review status: criteria provided, single submitter. Criteria: ACMG Guidelines, 2015. Collection method: clinical testing. Allele origin: germline. Inheritance: Autosomal recessive inheritance. Affected: yes.
Comment: The frameshift c.258_262dup (p.Gln88ArgfsTer8) variant in CCNO gene has been reported previously in homozygous and compound heterozygous state in individuals affected with primary ciliary dyskinesia (Wallmeier et al. 2014; Casey et al. 2015; Davis et al. 2019). This variant segregated with disease in families consistently with autosomal recessive inheritance (Wallmeier et al. 2014). The p.Gln88ArgfsTer8 variant is reported with an allele frequency of 0.01% in the gnomAD exomes database and is novel (not in any individuals) in 1000 Genomes database. This variant has been reported to the ClinVar database as Likely Pathogenic / Pathogenic (multiple submissions). This variant causes a frameshift starting with codon Glutamine 88, changes this amino acid to Arginine residue, and creates a premature Stop codon at position 8 of the new reading frame, denoted p.Gln88ArgfsTer8. This variant is predicted to cause loss of normal protein function through protein truncation. Loss of function variants have been previously reported to be disease causing. For these reasons, this variant has been classified as Pathogenic.

Fulgent Genetics
Classification: Pathogenic for Primary ciliary dyskinesia 29. Last evaluated: 2022-04-25. Review status: criteria provided, single submitter. Criteria: ACMG Guidelines, 2015. Collection method: clinical testing. Allele origin: unknown.

Revvity Omics, Revvity
Classification: Pathogenic for Primary ciliary dyskinesia 29. Last evaluated: 2021-04-29. Review status: criteria provided, single submitter. Criteria: ACMG Guidelines, 2015. Collection method: clinical testing. Allele origin: germline.

Laboratory for Molecular Medicine, Mass General Brigham Personalized Medicine
Classification: Pathogenic for Primary ciliary dyskinesia. Last evaluated: 2019-08-28. Review status: criteria provided, single submitter. Criteria: LMM Criteria. Collection method: clinical testing. Allele origin: germline. Observed: 1 variant allele.
Comment: The p.Gln88ArgfsX8 variant in CCNO has been identified in at least 10 individuals with primary ciliary dyskinesia (PCD; 7 homozygotes, 3 compound heterozygotes) and segregated with disease in 7 affected individuals from 4 families (Wallmeier 2014, Casey 2015, Amirav 2016, Davis 2019). It has also been reported by other clinical laboratories in ClinVar (Variation ID: 139600) and has been identified in 0.06% (10/17424) of East Asian chromosomes by gnomAD; however, this frequency is low enough to be consistent with a recessive carrier frequency. This variant is predicted to cause a frameshift, which alters the proteinâ€™s amino acid sequence beginning at position 88 and leads to a premature termination codon 8 amino acids downstream. This alteration is then predicted to lead to a truncated or absent protein. Loss of function of the CCNO gene is an established disease mechanism in autosomal recessive PCD. In summary, this variant meets criteria to be classified as pathogenic for autosomal recessive PCD. ACMG/AMP Criteria applied: PM3_VeryStrong, PP1_Strong.

Juno Genomics, Hangzhou Juno Genomics, Inc
Classification: Pathogenic for Primary ciliary dyskinesia 29. Review status: criteria provided, single submitter. Criteria: ACMG Guidelines, 2015. Collection method: clinical testing. Allele origin: germline.
Comment: Null variant in a gene where loss of function (LOF) is a known mechanism of disease.;For recessive disorders, detected in trans with a pathogenic variant.;Patient's phenotype or family history is highly specific for a disease with a single genetic etiology.

Yale Center for Mendelian Genomics, Yale University
Classification: Likely pathogenic for Primary ciliary dyskinesia. Last evaluated: 2018-08-01. Review status: no assertion criteria provided. Collection method: literature only. Allele origin: germline. Affected: yes. Observed: 2 compound heterozygotes. Study: Yale Center for Mendelian Genomics. Not counted in ClinVar's aggregate classification.

OMIM
Classification: Pathogenic for CILIARY DYSKINESIA, PRIMARY, 29. Last evaluated: 2014-06-01. Review status: no assertion criteria provided. Collection method: literature only. Allele origin: germline. Not counted in ClinVar's aggregate classification.

Literature cited by the submitters: PubMed 24747639 (cited by 4 submitters); PubMed 24824133 (cited by 3 submitters); PubMed 26777464 (cited by Labcorp Genetics (formerly Invitae), Labcorp and Laboratory for Molecular Medicine, Mass General Brigham Personalized Medicine); PubMed 30067075 (cited by Laboratory for Molecular Medicine, Mass General Brigham Personalized Medicine and Yale Center for Mendelian Genomics, Yale University).